The following is an entry in ClinVar:

NM_001042492.3(NF1):c.6136dup (p.Val2046fs)

Gene: NF1 (neurofibromin 1; plus strand). Cytogenetic location: 17q11.2.
Variant type: Duplication.
Coding change: c.6136dup on transcript NM_001042492.3 (MANE Select); coding-DNA position 6136, one base duplicated (G; older notation c.6136dupG).
Protein change: p.Val2046fs; shifts the reading frame from valine 2046.
Molecular consequence: frameshift variant.
Genome position (GRCh38, 1-based): chr17:31,336,462, G duplicated; the last of 2 consecutive G bases (chr17:31,336,461-31,336,462); duplicating either gives the same sequence. VCF-style (leftmost placement, unchanged base first): chr17-31336460-T-TG. GRCh37 (hg19) VCF-style: chr17-29663478-T-TG.
Other names: c.6073dupG (NM_000267.3); c.6073dup, p.Val2025Glyfs (NM_000267.4); short protein forms V2025fs, V2046fs.
Identifiers: ClinVar variation 484070 (VCV000484070.5), dbSNP rs1555534618, ClinGen allele CA658658561.

ClinVar aggregate classification (germline): Pathogenic (1 of 4 stars; one submission).

Conditions:
Cardiovascular phenotype. Identifiers: MedGen CN230736.
Hereditary cancer-predisposing syndrome. Also called: Neoplastic Syndromes, Hereditary; Tumor predisposition; Hereditary Cancer Syndrome; Hereditary neoplastic syndrome. Identifiers: Orphanet 140162, MedGen C0027672, MeSH D009386, MONDO:0015356.

Submission:

Ambry Genetics
Classification: Pathogenic for Cardiovascular phenotype; Hereditary cancer-predisposing syndrome. Last evaluated: 2018-08-20. Review status: criteria provided, single submitter. Criteria: Ambry Variant Classification Scheme 2023. Collection method: clinical testing. Allele origin: germline.
Comment: The c.6073dupG pathogenic mutation, located in coding exon 40 of the NF1 gene, results from a duplication of G at nucleotide position 6073, causing a translational frameshift with a predicted alternate stop codon (p.V2025Gfs*14). This alteration is expected to result in loss of function by premature protein truncation or nonsense-mediated mRNA decay. As such, this alteration is interpreted as a disease-causing mutation.